The following is an entry in ClinVar:

ClinVar aggregate classification (germline): Uncertain significance (1 of 4 stars; one submission).

Conditions:
Familial thoracic aortic aneurysm and aortic dissection (TAAD). Also called: Thoracic aortic aneurysms and dissections. Identifiers: Orphanet 91387, MedGen C4707243, MONDO:0019625.

Submission:

Ambry Genetics
Classification: Uncertain significance for Familial thoracic aortic aneurysm and aortic dissection. Last evaluated: 2026-07-07. Review status: criteria provided, single submitter. Criteria: Ambry Variant Classification Scheme 2023. Collection method: clinical testing. Allele origin: germline.
Comment: The p.I261T variant (also known as c.782T>C), located in coding exon 6 of the MYH11 gene, results from a T to C substitution at nucleotide position 782. The isoleucine at codon 261 is replaced by threonine, an amino acid with similar properties. This amino acid position is conserved. In addition, this alteration is predicted to be deleterious by in silico analysis. Based on the available evidence, the clinical significance of this variant remains unclear.

NM_002474.3(MYH11):c.782T>C (p.Ile261Thr)

Gene: MYH11 (myosin heavy chain 11; minus strand). Cytogenetic location: 16p13.11.
Variant type: single nucleotide variant.
Coding change: c.782T>C on transcript NM_002474.3 (MANE Select); coding-DNA position 782, T replaced by C.
Protein change: p.Ile261Thr; replaces isoleucine 261 with threonine.
Molecular consequence: missense variant.
Genome position (GRCh38, 1-based): chr16:15,778,788, A>G on the plus strand (T>C on the coding strand, the complement: MYH11 is on the minus strand). VCF-style: chr16-15778788-A-G. GRCh37 (hg19) VCF-style: chr16-15872645-A-G.
Other names: c.803T>C, p.Ile268Thr (NM_001040113.2, NM_001040114.2); c.782T>C, p.Ile261Thr (NM_022844.3); short protein forms I261T, I268T.
Identifiers: ClinVar variation 5025084 (VCV005025084.1).
Genomic context (GRCh38, chr16:15,778,788, plus strand): 5'-GATTGGTAGGGGGCAGGGGTACCCATTTGGCCCAGGCTCAGGGAAAGGATACAGGTCTCA[A>G]TGTTGGCTCCCACGATGTAACCCGTGACGTCGAAGTTGATGCGGATGAATTTGCCCTGCC-3'
Protein context (NP_002465.1, residues 251-271): DVTGYIVGAN[Ile261Thr]ETYLLEKSRA